The following is an entry in ClinVar:

ClinVar aggregate classification (germline): Uncertain significance (1 of 4 stars; one submission).

gnomAD v4.1: 1 of 1,614,176 alleles (0.000062%); highest among the groups gnomAD compares: Non-Finnish European, 0.000085%; no homozygotes.

Submission:

Dasa
Classification: Uncertain significance. Last evaluated: 2026-06-05. Review status: criteria provided, single submitter. Criteria: DASA Assertion Criteria. Collection method: clinical testing. Allele origin: germline.
Comment: NM_000175.5(GPI):c.1192G>A (p.Gly398Ser) is a missense variant that results in the substitution of glycine with serine. This variant is rare in population databases. Computational prediction algorithms are consistent with a deleterious effect. The currently available literature and clinical evidence are not sufficient to establish a definitive association between this variant and the reported condition. Therefore, this variant is classified as a variant of uncertain significance.

NM_000175.5(GPI):c.1192G>A (p.Gly398Ser)

Gene: GPI (glucose-6-phosphate isomerase; plus strand). Cytogenetic location: 19q13.11.
Variant type: single nucleotide variant.
Coding change: c.1192G>A on transcript NM_000175.5 (MANE Select); coding-DNA position 1192, G replaced by A.
Protein change: p.Gly398Ser; replaces glycine 398 with serine.
Molecular consequence: missense variant.
Genome position (GRCh38, 1-based): chr19:34,396,430, G>A. VCF-style: chr19-34396430-G-A. GRCh37 (hg19) VCF-style: chr19-34887335-G-A.
Other names: c.1225G>A, p.Gly409Ser (NM_001184722.1); c.1309G>A, p.Gly437Ser (NM_001289789.1, NM_001440422.1); c.1108G>A, p.Gly370Ser (NM_001289790.3); c.1192G>A, p.Gly398Ser (NM_001329909.1, NM_001329910.1, NM_001329911.2); short protein forms G370S, G398S, G409S, G437S.
Identifiers: ClinVar variation 5020425 (VCV005020425.1).